The following is an entry in ClinVar:

ClinVar aggregate classification (germline): Pathogenic. Review status: criteria provided, multiple submitters, no conflicts (2 of 4 stars). 3 submissions from 3 submitters: Pathogenic (2). 1 of the submissions does not count toward it. Last evaluated 2025-06-02.

Conditions:
Gorlin syndrome. Also called: Nevoid Basal Cell Carcinoma Syndrome; Basal cell nevus syndrome. Identifiers: Orphanet 377, MedGen C0004779, MONDO:0007187.
Hereditary cancer-predisposing syndrome. Also called: Hereditary neoplastic syndrome; Neoplastic Syndromes, Hereditary; Tumor predisposition; Hereditary Cancer Syndrome. Identifiers: Orphanet 140162, MedGen C0027672, MeSH D009386, MONDO:0015356.
PTCH1-related disorder. Also called: PTCH1-related disorders; PTCH1-related condition.

Submissions (3):

Labcorp Genetics (formerly Invitae), Labcorp
Classification: Pathogenic for Gorlin syndrome. Last evaluated: 2025-06-02. Review status: criteria provided, single submitter. Criteria: Invitae Variant Classification Sherloc (09022015). Collection method: clinical testing. Allele origin: germline.
Comment: This sequence change creates a premature translational stop signal (p.Trp1051*) in the PTCH1 gene. It is expected to result in an absent or disrupted protein product. Loss-of-function variants in PTCH1 are known to be pathogenic (PMID: 16301862, 16419085). This variant is not present in population databases (gnomAD no frequency). This premature translational stop signal has been observed in individuals with clinical features of basal cell nevus syndrome (internal data). ClinVar contains an entry for this variant (Variation ID: 409220). For these reasons, this variant has been classified as Pathogenic.

Ambry Genetics
Classification: Pathogenic for Hereditary cancer-predisposing syndrome. Last evaluated: 2016-05-31. Review status: criteria provided, single submitter. Criteria: Ambry Variant Classification Scheme 2023. Collection method: clinical testing. Allele origin: germline.
Comment: The p.W1051* pathogenic mutation (also known as c.3152G>A), located in coding exon 18 of the PTCH1 gene, results from a G to A substitution at nucleotide position 3152. This changes the amino acid from a tryptophan to a stop codon at position 1051. Since premature stop codons are typically deleterious in nature, this alteration is interpreted as a disease-causing mutation (ACMG Recommendations for Standards for Interpretation and Reporting of Sequence Variations. Revision 2007. Genet Med. 2008;10:294).

PreventionGenetics, part of Exact Sciences
Classification: Pathogenic for PTCH1-related condition. Last evaluated: 2023-11-01. Review status: no assertion criteria provided. Collection method: clinical testing. Allele origin: germline. Not counted in ClinVar's aggregate classification.
Comment: The PTCH1 c.3152G>A variant is predicted to result in premature protein termination (p.Trp1051*). This variant was reported to be causative for Gorlin syndrome (Sánchez-Vicente et al. 2016. PubMed ID: 27595027; Huq et al. 2017. PubMed ID: 28328109). This variant has not been reported in a large population database, indicating this variant is rare. This variant is classified as pathogenic in ClinVar. Nonsense variants in PTCH1 are expected to be pathogenic. This variant is interpreted as pathogenic.

Literature cited by the submitters: PubMed 16301862 (cited by Labcorp Genetics (formerly Invitae), Labcorp); PubMed 16419085 (cited by Labcorp Genetics (formerly Invitae), Labcorp).

NM_000264.5(PTCH1):c.3152G>A (p.Trp1051Ter)

Gene: PTCH1 (patched 1; minus strand). Cytogenetic location: 9q22.32.
Variant type: single nucleotide variant.
Coding change: c.3152G>A on transcript NM_000264.5 (MANE Select); coding-DNA position 3152, G replaced by A.
Protein change: p.Trp1051Ter; replaces tryptophan 1051 with a stop codon.
Molecular consequence: nonsense. On other transcripts: non-coding transcript variant (1).
Genome position (GRCh38, 1-based): chr9:95,458,029, C>T on the plus strand (G>A on the coding strand, the complement: PTCH1 is on the minus strand). VCF-style: chr9-95458029-C-T. GRCh37 (hg19) VCF-style: chr9-98220311-C-T.
Other names: c.2954G>A, p.Trp985Ter (NM_001083602.3); c.3149G>A, p.Trp1050Ter (NM_001083603.3); c.2699G>A, p.Trp900Ter (NM_001083604.3, NM_001083605.3, NM_001083606.3 and 1 more transcripts); c.2996G>A, p.Trp999Ter (NM_001354918.2); short protein forms W1051*, W985*, W900*, W1050*, W999*.
Identifiers: ClinVar variation 409220 (VCV000409220.13), dbSNP rs1060502301, ClinGen allele CA16612669.
Genomic context (GRCh38, chr9:95,458,029, plus strand): 5'-TGAAAGGAATTTGACTTCCACAAAGCCCCTTATAATACACTCACAATGATCCCGGCCGTC[C>T]AGGGGTTCAGAAGGAAGACAGCGCACACGAGGAATGTGCAGGCCAACACCACGCTGATGA-3'